The following is an entry in ClinVar:

NM_001366521.1(ATP2B1):c.439G>C (p.Gly147Arg)

Gene: ATP2B1 (ATPase plasma membrane Ca2+ transporting 1; minus strand). Cytogenetic location: 12q21.33.
Variant type: single nucleotide variant.
Coding change: c.439G>C on transcript NM_001366521.1 (MANE Select); coding-DNA position 439, G replaced by C.
Protein change: p.Gly147Arg; replaces glycine 147 with arginine.
Molecular consequence: missense variant. On other transcripts: intron variant (2).
Genome position (GRCh38, 1-based): chr12:89,635,219, C>G on the plus strand (G>C on the coding strand, the complement: ATP2B1 is on the minus strand). VCF-style: chr12-89635219-C-G. GRCh37 (hg19) VCF-style: chr12-90028996-C-G.
Other names: c.439G>C, p.Gly147Arg (NM_001001323.2, NM_001366520.1, NM_001366522.1 and 17 more transcripts); c.241G>C, p.Gly81Arg (NM_001366530.1, NM_001413053.1); c.406+6939G>C (NM_001366531.1, NM_001366532.1); short protein forms G147R, G81R.
Identifiers: ClinVar variation 2309451 (VCV002309451.3), dbSNP rs1882489221, ClinGen allele CA386127936.
Genomic context (GRCh38, chr12:89,635,219, plus strand): 5'-CCACACACACTACAGACAAGAGGATTGCAGCTCCTTCAATCCAACCAGTTTCACCTTCAC[C>G]TTCTTCCTCCCCAACAGAAACTTCTCCACAAACTATTTGGAAAGAAAGAAAATGCTTATC-3'
Protein context (NP_001353450.1, residues 137-157): CGEVSVGEEE[Gly147Arg]EGETGWIEGA

ClinVar aggregate classification (germline): Uncertain significance. Review status: criteria provided, single submitter (1 of 4 stars). 2 submissions from 2 submitters: Uncertain significance (1). 1 of the submissions does not count toward it. Last evaluated 2022-08-30.

Conditions:
Inborn genetic diseases. Identifiers: MedGen C0950123, MeSH D030342.
ATP2B1-related disorder. Also called: ATP2B1-related condition.

Allele frequency attached by ClinVar (database versions not stated): TOPMed below 0.00001.

Submissions (2):

Ambry Genetics
Classification: Uncertain significance for Inborn genetic diseases. Last evaluated: 2022-08-30. Review status: criteria provided, single submitter. Criteria: Ambry Variant Classification Scheme 2023. Collection method: clinical testing. Allele origin: germline.

PreventionGenetics, part of Exact Sciences
Classification: Uncertain significance for ATP2B1-related condition. Last evaluated: 2024-09-07. Review status: no assertion criteria provided. Collection method: clinical testing. Allele origin: germline. Not counted in ClinVar's aggregate classification.
Comment: The ATP2B1 c.439G>C variant is predicted to result in the amino acid substitution p.Gly147Arg. To our knowledge, this variant has not been reported in the literature or in a large population database, indicating it is rare. At this time, the clinical significance of this variant is uncertain due to the absence of conclusive functional and genetic evidence.